The following is an entry in ClinVar:

NM_022051.3(EGLN1):c.94C>T (p.Arg32Cys)

Gene: EGLN1 (egl-9 family hypoxia inducible factor 1; minus strand). Cytogenetic location: 1q42.2.
Variant type: single nucleotide variant.
Coding change: c.94C>T on transcript NM_022051.3 (MANE Select); coding-DNA position 94, C replaced by T.
Protein change: p.Arg32Cys; replaces arginine 32 with cysteine.
Molecular consequence: missense variant.
Genome position (GRCh38, 1-based): chr1:231,421,795, G>A on the plus strand (C>T on the coding strand, the complement: EGLN1 is on the minus strand). VCF-style: chr1-231421795-G-A. GRCh37 (hg19) VCF-style: chr1-231557541-G-A.
Other names: c.94C>T, p.Arg32Cys (NM_001377260.1, NM_001377261.1); short protein forms R32C.
Identifiers: ClinVar variation 2624650 (VCV002624650.2), dbSNP rs1656630773, ClinGen allele CA345239053.
Genomic context (GRCh38, chr1:231,421,795, plus strand): 5'-TCCAGTCCTGACGCTGGTGCTCCTTGCAGCAGTAGAAGGAGCTGCGGCAGCGGCTGCAGC[G>A]CAGCAGGTTCTCCATCTTCCCGCACAGCTCGCAGTACTGCCGGTCTCGCTCGCTCGGGCT-3'
Protein context (NP_071334.1, residues 22-42): ELCGKMENLL[Arg32Cys]CSRCRSSFYC

ClinVar aggregate classification (germline): Uncertain significance (1 of 4 stars; one submission).

Allele frequency attached by ClinVar (database versions not stated): TOPMed below 0.00001.
gnomAD v4.1: 1 of 1,559,390 alleles (0.000064%); highest among the groups gnomAD compares: East Asian, 0.0024%; no homozygotes.

Submission:

Ambry Genetics
Classification: Uncertain significance. Last evaluated: 2023-09-12. Review status: criteria provided, single submitter. Criteria: Ambry Variant Classification Scheme 2023. Collection method: clinical testing. Allele origin: germline.
Comment: The p.R32C variant (also known as c.94C>T), located in coding exon 1 of the EGLN1 gene, results from a C to T substitution at nucleotide position 94. The arginine at codon 32 is replaced by cysteine, an amino acid with highly dissimilar properties. This amino acid position is conserved. In addition, the in silico prediction for this alteration is inconclusive. Since supporting evidence is limited at this time, the clinical significance of this alteration remains unclear.